The following is an entry in ClinVar:

ClinVar aggregate classification (germline): Conflicting classifications of pathogenicity. Review status: criteria provided, conflicting classifications (1 of 4 stars). 2 submissions from 2 submitters: Pathogenic (1); Uncertain significance (1). Last evaluated 2025-04-21.

Conditions:
Pierpont syndrome (PRPTS). Identifiers: Orphanet 487825, MedGen C1865644, MONDO:0011213, OMIM 602342.

Submissions (2):

Labcorp Genetics (formerly Invitae), Labcorp
Classification: Uncertain significance for Pierpont syndrome. Last evaluated: 2025-04-21. Review status: criteria provided, single submitter. Criteria: Invitae Variant Classification Sherloc (09022015). Collection method: clinical testing. Allele origin: germline.
Comment: This sequence change replaces methionine, which is neutral and non-polar, with valine, which is neutral and non-polar, at codon 329 of the TBL1XR1 protein (p.Met329Val). This variant is not present in population databases (gnomAD no frequency). This variant has not been reported in the literature in individuals affected with TBL1XR1-related conditions. ClinVar contains an entry for this variant (Variation ID: 3342808). Invitae Evidence Modeling of protein sequence and biophysical properties (such as structural, functional, and spatial information, amino acid conservation, physicochemical variation, residue mobility, and thermodynamic stability) indicates that this missense variant is not expected to disrupt TBL1XR1 protein function with a negative predictive value of 95%. In summary, the available evidence is currently insufficient to determine the role of this variant in disease. Therefore, it has been classified as a Variant of Uncertain Significance.

GeneDx
Classification: Pathogenic. Last evaluated: 2023-09-06. Review status: criteria provided, single submitter. Criteria: GeneDx Variant Classification Process June 2021. Collection method: clinical testing. Allele origin: germline. Affected: yes.
Comment: Not observed at significant frequency in large population cohorts (gnomAD); In silico analysis supports that this missense variant does not alter protein structure/function; Has not been previously published as pathogenic or benign to our knowledge

NM_024665.7(TBL1XR1):c.985A>G (p.Met329Val)

Genes: TBL1XR1 (TBL1X/Y related 1; minus strand), TBL1XR1-AS1 (TBL1XR1 antisense RNA 1; plus strand), LOC126806878 (CDK7 strongly-dependent group 2 enhancer GRCh37_chr3:176755168-176756367; plus strand). Cytogenetic location: 3q26.32.
Variant type: single nucleotide variant.
Coding change: c.985A>G on transcript NM_024665.7 (MANE Select); coding-DNA position 985, A replaced by G.
Protein change: p.Met329Val; replaces methionine 329 with valine.
Molecular consequence: missense variant. On other transcripts: non-coding transcript variant (1).
Genome position (GRCh38, 1-based): chr3:177,038,375, T>C on the plus strand (A>G on the coding strand, the complement: TBL1XR1 is on the minus strand). VCF-style: chr3-177038375-T-C. GRCh37 (hg19) VCF-style: chr3-176756163-T-C.
Other names: c.985A>G, p.Met329Val (NM_001321193.3, NM_001321194.3, NM_001374327.1 and 2 more transcripts); c.724A>G, p.Met242Val (NM_001321195.3, NM_001374330.1); short protein forms M242V, M329V.
Identifiers: ClinVar variation 3342808 (VCV003342808.2).
Genomic context (GRCh38, chr3:177,038,375, plus strand): 5'-TATGTCCTTGGAATGTTTTAATAGGTCTGTCTTGTCCTAATTTACAGACATGAATGCACA[T>C]ATCTGTACTACAAGAAGCAAAGGTGTTGTTGCTCTGCCAATCAACATCCAATGCTGGTGC-3'
Protein context (NP_078941.2, residues 319-339): NNTFASCSTD[Met329Val]CIHVCKLGQD